The following is an entry in ClinVar:

ClinVar aggregate classification (germline): Pathogenic (1 of 4 stars; one submission).

Conditions:
Propionic acidemia (PROP). Also called: GLYCINEMIA, KETOTIC; HYPERGLYCINEMIA WITH KETOACIDOSIS AND LEUKOPENIA; KETOTIC HYPERGLYCINEMIA. Identifiers: Orphanet 35, MedGen C0268579, MONDO:0011628, OMIM 606054, HP:0003571.

Submission:

Natera, Inc.
Classification: Pathogenic for Propionic acidemia. Last evaluated: 2025-01-22. Review status: criteria provided, single submitter. Criteria: Natera Variant Classification Schema (03/2026). Collection method: clinical testing. Allele origin: germline.
Comment: The c.1199-2A>T variant in PCCB is a canonical splice acceptor site variant predicted to affect pre-mRNA splicing, which may result in an abnormal transcript and altered protein product. This variant is expected to result in nonsense mediated decay, truncation, or a dysfunctional protein product. This variant is rare in the general population with a frequency below the threshold expected for the associated phenotype(s). Another variant at this same site results in an alteration predicted to cause a similar molecular effect has been observed in individual(s) with the associated phenotype. Given the available evidence, this variant is classified as Pathogenic.

NM_000532.5(PCCB):c.1199-2A>T

Gene: PCCB (propionyl-CoA carboxylase subunit beta; plus strand). Cytogenetic location: 3q22.3.
Variant type: single nucleotide variant.
Coding change: c.1199-2A>T on transcript NM_000532.5 (MANE Select); the canonical splice acceptor site of the intron before coding-DNA position 1199, A replaced by T.
Molecular consequence: splice acceptor variant.
Genome position (GRCh38, 1-based): chr3:136,327,153, A>T. VCF-style: chr3-136327153-A-T. GRCh37 (hg19) VCF-style: chr3-136045995-A-T.
Other names: c.1259-2A>T (NM_001178014.2).
Identifiers: ClinVar variation 4059325 (VCV004059325.2).